The following is an entry in ClinVar:

GRCh37/hg19 17p12(chr17:14078283-15479940)x3

Genes: TVP23C-CDRT4 (TVP23C-CDRT4 readthrough; minus strand), CDRT15 (CMT1A duplicated region transcript 15; minus strand), CDRT4 (CMT1A duplicated region transcript 4; minus strand), COX10 (cytochrome c oxidase assembly factor heme A:farnesyltransferase COX10; plus strand), HS3ST3B1 (heparan sulfate-glucosamine 3-sulfotransferase 3B1; plus strand) and 3 more. Cytogenetic location: 17p12.
Variant type: copy number gain.
Change: copy number 3 (three copies instead of two) of chr17:14,078,283-15,479,940 (1.40 Mb, GRCh37 coordinates, 1-based), cytogenetic band 17p12.
Identifiers: ClinVar variation 1808978 (VCV001808978.1).

ClinVar aggregate classification (germline): Pathogenic (1 of 4 stars; one submission).

Submission:

Quest Diagnostics Nichols Institute San Juan Capistrano
Classification: Pathogenic. Last evaluated: 2021-07-13. Review status: criteria provided, single submitter. Criteria: ACMG/ClinGen CNV Guidelines, 2019. Collection method: clinical testing. Allele origin: unknown.
Comment: This copy number gain includes the PMP22 gene (OMIM 601097) and is consistent with Charcot-Marie-Tooth disease type 1A (OMIM 118220). Duplication of PMP22 accounts for 70-80% of all Charcot-Marie-Tooth neuropathy type 1 (CMT1), a demyelinating peripheral neuropathy characterized by distal muscle weakness, atrophy, sensory loss, and slow nerve conduction velocity. The penetrance of this duplication is thought to be near 100%; however, age of onset and severity of the condition are variable, and some carriers are not clinically recognized. Approximately two thirds of PMP22 duplications are inherited. See GeneReviews for additional information and references.